The following is an entry in ClinVar:

ClinVar aggregate classification (germline): Conflicting classifications of pathogenicity. Review status: criteria provided, conflicting classifications (1 of 4 stars). 3 submissions from 3 submitters: Uncertain significance (2); Benign (1). Last evaluated 2025-08-23.

Conditions:
Inborn genetic diseases. Identifiers: MedGen C0950123, MeSH D030342.

Allele frequency attached by ClinVar (database versions not stated): gnomAD 0.00001; TOPMed 0.00001.

Submissions (3):

Ambry Genetics
Classification: Uncertain significance for Inborn genetic diseases. Last evaluated: 2025-08-23. Review status: criteria provided, single submitter. Criteria: Ambry Variant Classification Scheme 2023. Collection method: clinical testing. Allele origin: germline.

Labcorp Genetics (formerly Invitae), Labcorp
Classification: Benign. Last evaluated: 2024-11-11. Review status: criteria provided, single submitter. Criteria: Invitae Variant Classification Sherloc (09022015). Collection method: clinical testing. Allele origin: germline.

CeGaT Center for Human Genetics Tuebingen
Classification: Uncertain significance. Last evaluated: 2023-03-01. Review status: criteria provided, single submitter. Criteria: CeGaT Center For Human Genetics Tuebingen Variant Classification Criteria Version 2. Collection method: clinical testing. Allele origin: germline. Affected: yes. Observed: 1 variant allele.
Comment: DVL1: PM2:Supporting

NM_001330311.2(DVL1):c.983C>T (p.Thr328Met)

Gene: DVL1 (dishevelled segment polarity protein 1; minus strand). Cytogenetic location: 1p36.33.
Variant type: single nucleotide variant.
Coding change: c.983C>T on transcript NM_001330311.2 (MANE Select); coding-DNA position 983, C replaced by T.
Protein change: p.Thr328Met; replaces threonine 328 with methionine.
Molecular consequence: missense variant.
Genome position (GRCh38, 1-based): chr1:1,339,739, G>A on the plus strand (C>T on the coding strand, the complement: DVL1 is on the minus strand). VCF-style: chr1-1339739-G-A. GRCh37 (hg19) VCF-style: chr1-1275119-G-A.
Other names: c.983C>T, p.Thr328Met (NM_004421.3); c.983C>T (NM_004421.2); short protein forms T328M.
Identifiers: ClinVar variation 2638004 (VCV002638004.27), dbSNP rs759500388, ClinGen allele CA337868518.